The following is an entry in ClinVar:

ClinVar aggregate classification (germline): Uncertain significance (1 of 4 stars; one submission).

Conditions:
Naxos disease (NXD). Also called: CARDIOMYOPATHY, ARRHYTHMOGENIC RIGHT VENTRICULAR, WITH SKIN, HAIR, AND NAIL ABNORMALITIES; PALMOPLANTAR KERATODERMA WITH ARRHYTHMOGENIC RIGHT VENTRICULAR CARDIOMYOPATHY AND WOOLLY HAIR; WOOLLY HAIR, PALMOPLANTAR KERATODERMA, AND CARDIAC ABNORMALITIES; KERATOSIS PALMOPLANTARIS WITH ARRHYTHMOGENIC CARDIOMYOPATHY; MAL DE NAXOS. Identifiers: Orphanet 34217, MedGen C1832600, MONDO:0011017, OMIM 601214.
Arrhythmogenic right ventricular dysplasia 12. Also called: ARRHYTHMOGENIC RIGHT VENTRICULAR DYSPLASIA, FAMILIAL, 12. Identifiers: MedGen C1969081, MONDO:0012684, OMIM 611528.

Submission:

Labcorp Genetics (formerly Invitae), Labcorp
Classification: Uncertain significance for Arrhythmogenic right ventricular dysplasia 12; Naxos disease. Last evaluated: 2019-10-28. Review status: criteria provided, single submitter. Criteria: Invitae Variant Classification Sherloc (09022015). Collection method: clinical testing. Allele origin: germline.
Comment: In summary, the available evidence is currently insufficient to determine the role of this variant in disease. Therefore, it has been classified as a Variant of Uncertain Significance. Algorithms developed to predict the effect of missense changes on protein structure and function (SIFT, PolyPhen-2, Align-GVGD) all suggest that this variant is likely to be tolerated, but these predictions have not been confirmed by published functional studies and their clinical significance is uncertain. This variant has not been reported in the literature in individuals with JUP-related conditions. This variant is not present in population databases (ExAC no frequency). This sequence change replaces tyrosine with serine at codon 693 of the JUP protein (p.Tyr693Ser). The tyrosine residue is moderately conserved and there is a large physicochemical difference between tyrosine and serine.

NM_002230.4(JUP):c.2078A>C (p.Tyr693Ser)

Gene: JUP (junction plakoglobin; minus strand). Cytogenetic location: 17q21.2.
Variant type: single nucleotide variant.
Coding change: c.2078A>C on transcript NM_002230.4 (MANE Select); coding-DNA position 2078, A replaced by C.
Protein change: p.Tyr693Ser; replaces tyrosine 693 with serine.
Molecular consequence: missense variant.
Genome position (GRCh38, 1-based): chr17:41,756,183, T>G on the plus strand (A>C on the coding strand, the complement: JUP is on the minus strand). VCF-style: chr17-41756183-T-G. GRCh37 (hg19) VCF-style: chr17-39912435-T-G.
Other names: c.2078A>C, p.Tyr693Ser (NM_001352773.2, NM_001352774.2, NM_001352775.2 and 3 more transcripts); short protein forms Y693S.
Identifiers: ClinVar variation 959886 (VCV000959886.9), dbSNP rs782475413, ClinGen allele CA399490886.
Genomic context (GRCh38, chr17:41,756,183, plus strand): 5'-CACACAGCCGCCCAGGATCTCCAGGGTCCTGAAGAGCCCGGCACACACTTACCATCTCCA[T>G]AGGGCTCATTGATGGGAATCATGCTCTGGGCCTGAAAAAGGAGAGAGAAACATGGAGGGG-3'
Protein context (NP_002221.1, residues 683-703): AQSMIPINEP[Tyr693Ser]GDDMDATYRP